The following is an entry in ClinVar:

NM_000709.4(BCKDHA):c.931A>T (p.Lys311Ter)

Gene: BCKDHA (branched chain keto acid dehydrogenase E1 subunit alpha; plus strand). Cytogenetic location: 19q13.2.
Variant type: single nucleotide variant.
Coding change: c.931A>T on transcript NM_000709.4 (MANE Select); coding-DNA position 931, A replaced by T.
Protein change: p.Lys311Ter; replaces lysine 311 with a stop codon.
Molecular consequence: nonsense.
Genome position (GRCh38, 1-based): chr19:41,422,706, A>T. VCF-style: chr19-41422706-A-T. GRCh37 (hg19) VCF-style: chr19-41928611-A-T.
Other names: c.928A>T, p.Lys310Ter (NM_001164783.2); short protein forms K310*, K311*.
Identifiers: ClinVar variation 983564 (VCV000983564.3), dbSNP rs2039381583, ClinGen allele CA406013419.

ClinVar aggregate classification (germline): Likely pathogenic (1 of 4 stars; one submission).

Conditions:
Maple syrup urine disease (MSUD). Identifiers: Orphanet 511, MedGen C0024776, MeSH D008375, MONDO:0009563. Disease mechanism: loss of function.

Submission:

Myriad Genetics, Inc.
Classification: Likely pathogenic for Maple syrup urine disease type 1A. Last evaluated: 2019-09-29. Review status: criteria provided, single submitter. Criteria: Myriad Women's Health Autosomal Recessive and X-Linked Classification Criteria (2019). Collection method: clinical testing. Allele origin: unknown.
Comment: NM_000709.3(BCKDHA):c.931A>T(K311*) is expected to be pathogenic in the context of maple syrup urine disease type Ia. This variant is predicted to lead to an abnormal or absent protein product due to the creation of a premature termination codon in BCKDHA, a gene where loss-of-function variants are known to be pathogenic. Please note: this variant was assessed in the context of healthy population screening.